The following is an entry in ClinVar:

NM_003000.3(SDHB):c.708C>T (p.Asp236=)

Gene: SDHB (succinate dehydrogenase complex iron sulfur subunit B; minus strand). Cytogenetic location: 1p36.13.
Variant type: single nucleotide variant.
Coding change: c.708C>T on transcript NM_003000.3 (MANE Select); coding-DNA position 708, C replaced by T.
Protein change: p.Asp236=; no amino-acid change (aspartic acid 236 retained).
Molecular consequence: synonymous variant.
Genome position (GRCh38, 1-based): chr1:17,022,665, G>A on the plus strand (C>T on the coding strand, the complement: SDHB is on the minus strand). VCF-style: chr1-17022665-G-A. GRCh37 (hg19) VCF-style: chr1-17349160-G-A.
Other names: c.654C>T, p.Asp218= (NM_001407361.1).
Identifiers: ClinVar variation 3793583 (VCV003793583.2).
Genomic context (GRCh38, chr1:17,022,665, plus strand): 5'-TACCTTAGGACAGGTCCTTGTGCAGTTCATGATGGTGTGGCAGCGGTATAGAGAGAATGG[G>A]TCCTGCAGCTTGGCCAGGCGCTCCTCTGTGAAGTCATCTCTGGAGTCAATCATCCAGCGA-3'
Protein context (NP_002991.2, residues 226-246): FTEERLAKLQ[Asp236=]PFSLYRCHTI

ClinVar aggregate classification (germline): Benign/Likely benign. Review status: criteria provided, multiple submitters, no conflicts (2 of 4 stars). 2 submissions from 2 submitters: Benign (1); Likely benign (1). Last evaluated 2025-03-13.

Conditions:
Hereditary cancer-predisposing syndrome. Also called: Tumor predisposition; Neoplastic Syndromes, Hereditary; Hereditary neoplastic syndrome; Hereditary Cancer Syndrome. Identifiers: Orphanet 140162, MedGen C0027672, MeSH D009386, MONDO:0015356.
Pheochromocytoma/paraganglioma syndrome 4. Also called: CAROTID BODY TUMORS AND MULTIPLE EXTRAADRENAL PHEOCHROMOCYTOMAS; PARAGANGLIOMA, FAMILIAL MALIGNANT; PARAGANGLIOMAS, HEREDITARY EXTRAADRENAL; PHEOCHROMOCYTOMA, FAMILIAL EXTRAADRENAL; Paragangliomas 4; SDHB-Related Hereditary Paraganglioma-Pheochromocytoma Syndrome (Paragangliomas 4). Identifiers: Orphanet 29072, MedGen C1861848, MONDO:0007273, OMIM 115310.

gnomAD v4.1: 1 of 1,614,044 alleles (0.000062%); highest among the groups gnomAD compares: Non-Finnish European, 0.000085%; no homozygotes.

Submissions (2):

Myriad Genetics, Inc.
Classification: Benign for Pheochromocytoma/paraganglioma syndrome 4. Last evaluated: 2025-03-13. Review status: criteria provided, single submitter. Criteria: Myriad Autosomal Dominant, Autosomal Recessive and X-Linked Classification Criteria (2023). Collection method: clinical testing. Allele origin: unknown.
Comment: This variant is considered benign. This variant is a silent/synonymous amino acid change and it is not expected to impact splicing.

Ambry Genetics
Classification: Likely benign for Hereditary cancer-predisposing syndrome. Last evaluated: 2024-12-12. Review status: criteria provided, single submitter. Criteria: Ambry Variant Classification Scheme 2023. Collection method: clinical testing. Allele origin: germline.